The following is an entry in ClinVar:

ClinVar aggregate classification (germline): Likely benign (1 of 4 stars; one submission).

Submission:

GeneDx
Classification: Likely benign. Last evaluated: 2015-11-16. Review status: criteria provided, single submitter. Criteria: GeneDx Variant Classification (06012015). Collection method: clinical testing. Allele origin: germline. Affected: yes.
Comment: This variant is considered likely benign or benign based on one or more of the following criteria: it is a conservative change, it occurs at a poorly conserved position in the protein, it is predicted to be benign by multiple in silico algorithms, and/or has population frequency not consistent with disease.

NM_007194.4(CHEK2):c.-40G>C

Gene: CHEK2 (checkpoint kinase 2; minus strand). Cytogenetic location: 22q12.1.
Variant type: single nucleotide variant.
Coding change: c.-40G>C on transcript NM_007194.4 (MANE Select); 40 bases upstream of the start codon, G replaced by C.
Molecular consequence: 5 prime UTR variant.
Genome position (GRCh38, 1-based): chr22:28,741,802, C>G on the plus strand (G>C on the coding strand, the complement: CHEK2 is on the minus strand). VCF-style: chr22-28741802-C-G. GRCh37 (hg19) VCF-style: chr22-29137790-C-G.
Other names: c.-40G>C (NM_001005735.3, NM_001349956.3, NM_145862.3); c.-817G>C (NM_001257387.3).
Identifiers: ClinVar variation 381607 (VCV000381607.1), dbSNP rs142541707, ClinGen allele CA16609095.